The following is an entry in ClinVar:

NM_001256627.2(BRSK2):c.1301_1307del (p.Pro434fs)

Gene: BRSK2 (BR serine/threonine kinase 2; plus strand). Cytogenetic location: 11p15.5.
Variant type: Microsatellite.
Coding change: c.1301_1307del on transcript NM_001256627.2 (MANE Select); coding-DNA positions 1301 to 1307, 7 bases deleted (CCTCACC; older notation c.1301_1307delCCTCACC).
Protein change: p.Pro434fs; shifts the reading frame from proline 434.
Molecular consequence: frameshift variant. On other transcripts: non-coding transcript variant (1).
Genome position (GRCh38, 1-based): chr11:1,450,600-1,450,606, CCTCACC deleted; deleting any 7 consecutive bases within chr11:1,450,590-1,450,606 gives the same sequence; the c. name uses the placement nearest the transcript's 3' end. VCF-style (leftmost placement, unchanged base first): chr11-1450589-GACCCCTC-G. GRCh37 (hg19) VCF-style: chr11-1471819-GACCCCTC-G.
Other names: c.1301_1307del, p.Pro434fs (NM_001256629.2, NM_003957.4); c.1439_1445del, p.Pro480fs (NM_001256630.1, NM_001440667.1); c.1121_1127del, p.Pro374fs (NM_001282218.2, NM_001440669.1, NM_001440673.1 and 3 more transcripts); c.1733_1739del, p.Pro578fs (NM_001440665.1); c.1667_1673del, p.Pro556fs (NM_001440666.1); c.1367_1373del, p.Pro456fs (NM_001440668.1, NM_001440670.1); c.1187_1193del, p.Pro396fs (NM_001440671.1, NM_001440672.1); short protein forms P374fs, P396fs, P434fs, P456fs, P480fs, P556fs, P578fs.
Identifiers: ClinVar variation 4849538 (VCV004849538.1).

ClinVar aggregate classification (germline): Likely pathogenic (1 of 4 stars; one submission).

Conditions:
Autosomal dominant non-syndromic intellectual disability. Identifiers: Orphanet 178469, MedGen C5680502, MONDO:0015802.

Submission:

Department of Human Genetics, University Hospital Bern, Inselspital
Classification: Likely pathogenic for Autosomal dominant non-syndromic intellectual disability. Last evaluated: 2026-05-03. Review status: criteria provided, single submitter. Criteria: ACMG Guidelines, 2015. Collection method: clinical testing. Allele origin: inherited. Affected: yes.
Comment: The variant leads to an early stop codon likely resulting in nonsense-mediated mRNA decay. The variant was identified in a second, independent individual (inherited from an affected parent) in the same study and is reported 1x in gnomAD v4.1.0. In summary, criteria PVS1 and PP6_Supporting plus for the other individual PP1_Supporting were used.

Literature cited by the submitters: PubMed 42509346.